The following is an entry in ClinVar:

NM_153240.5(NPHP3):c.14C>T (p.Ser5Leu)

Genes: NPHP3 (nephrocystin 3; minus strand), NPHP3-ACAD11 (NPHP3-ACAD11 readthrough (NMD candidate); minus strand), NPHP3-AS1 (NPHP3 antisense RNA 1; plus strand). Cytogenetic location: 3q22.1.
Variant type: single nucleotide variant.
Coding change: c.14C>T on transcript NM_153240.5 (MANE Select); coding-DNA position 14, C replaced by T.
Protein change: p.Ser5Leu; replaces serine 5 with leucine.
Molecular consequence: missense variant. On other transcripts: non-coding transcript variant (3).
Genome position (GRCh38, 1-based): chr3:132,722,342, G>A on the plus strand (C>T on the coding strand, the complement: NPHP3 is on the minus strand). VCF-style: chr3-132722342-G-A. GRCh37 (hg19) VCF-style: chr3-132441186-G-A.
Other names: short protein forms S5L.
Identifiers: ClinVar variation 2100711 (VCV002100711.4), dbSNP rs1940259929, ClinGen allele CA354590357.

ClinVar aggregate classification (germline): Uncertain significance (1 of 4 stars; one submission).

Conditions:
Nephronophthisis. Also called: Juvenile Nephronophthisis. Identifiers: Orphanet 655, MedGen C0687120, MONDO:0019005, HP:0000090.

Allele frequency attached by ClinVar (database versions not stated): gnomAD exomes below 0.00001.
gnomAD v4.1: 1 of 1,577,442 alleles (0.000063%); highest among the groups gnomAD compares: Non-Finnish European, 0.000085%; no homozygotes.

Submission:

Labcorp Genetics (formerly Invitae), Labcorp
Classification: Uncertain significance for Nephronophthisis. Last evaluated: 2022-03-13. Review status: criteria provided, single submitter. Criteria: Invitae Variant Classification Sherloc (09022015). Collection method: clinical testing. Allele origin: germline.
Comment: Algorithms developed to predict the effect of missense changes on protein structure and function are either unavailable or do not agree on the potential impact of this missense change (SIFT: "Deleterious"; PolyPhen-2: "Probably Damaging"; Align-GVGD: "Class C0"). In summary, the available evidence is currently insufficient to determine the role of this variant in disease. Therefore, it has been classified as a Variant of Uncertain Significance. This variant has not been reported in the literature in individuals affected with NPHP3-related conditions. This variant is not present in population databases (gnomAD no frequency). This sequence change replaces serine, which is neutral and polar, with leucine, which is neutral and non-polar, at codon 5 of the NPHP3 protein (p.Ser5Leu).